The following is an entry in ClinVar:

ClinVar aggregate classification (germline): Uncertain significance (1 of 4 stars; one submission).

Conditions:
Primary dilated cardiomyopathy (DCM). Also called: Dilated Cardiomyopathy. Identifiers: Orphanet 217604, MedGen C0007193, MeSH D002311, MONDO:0005021, HP:0001644. Inheritance: Various modes of inheritance.

Submission:

All of Us Research Program, National Institutes of Health
Classification: Uncertain significance for Primary dilated cardiomyopathy. Last evaluated: 2024-06-17. Review status: criteria provided, single submitter. Criteria: ACMG Guidelines, 2015. Collection method: clinical testing. Allele origin: germline. Inheritance: Autosomal dominant inheritance. Observed: 1 variant allele, 1 heterozygote.
Comment: This missense variant replaces glycine with alanine at codon 125 of the LMNA protein. Computational prediction tools indicate that this variant has a neutral impact on protein structure and function. To our knowledge, functional studies have not been reported for this variant. This variant has been reported in one individual affected with muscular dystrophy (PMID: 18646565). This variant has been identified in 2/251410 chromosomes in the general population by the Genome Aggregation Database (gnomAD). The available evidence is insufficient to determine the role of this variant in disease conclusively. Therefore, this variant is classified as a Variant of Uncertain Significance.

This study involves interpretation of variants in research participants for the purpose of population health screening. Participant phenotype was not available at the time of variant classification. Additional details can be found in publication PMID: 35346344, PMCID: PMC8962531

Literature cited by the submitters: PubMed 18646565.

NM_170707.4(LMNA):c.374G>C (p.Gly125Ala)

Genes: LMNA (lamin A/C; plus strand), LOC126805877 (MED14-independent group 3 enhancer GRCh37_chr1:156099693-156100892; plus strand). Cytogenetic location: 1q22.
Variant type: single nucleotide variant.
Coding change: c.374G>C on transcript NM_170707.4 (MANE Select); coding-DNA position 374, G replaced by C.
Protein change: p.Gly125Ala; replaces glycine 125 with alanine.
Molecular consequence: missense variant. On other transcripts: 5 prime UTR variant (7), intron variant (4).
Genome position (GRCh38, 1-based): chr1:156,130,634, G>C. VCF-style: chr1-156130634-G-C. GRCh37 (hg19) VCF-style: chr1-156100425-G-C.
Other names: c.38G>C, p.Gly13Ala (NM_001257374.3, NM_001406989.1, NM_001406998.1); c.131G>C, p.Gly44Ala (NM_001282624.2, NM_001406986.1, NM_001406987.1); c.374G>C, p.Gly125Ala (NM_001282625.2, NM_001282626.2, NM_001406983.1 and 6 more transcripts); c.77G>C, p.Gly26Ala (NM_001406988.1); c.-185G>C (NM_001406993.1, NM_001406996.1, NM_001406997.1 and 1 more transcripts); c.-291G>C (NM_001406994.1, NM_001406999.1, NM_001407000.1); c.-45-3769G>C (NM_001407002.1, NM_001406995.1, NM_001406990.1); c.-151-3769G>C (NM_001407001.1); short protein forms G125A, G13A, G26A, G44A.
Identifiers: ClinVar variation 3387002 (VCV003387002.1).